The following is an entry in ClinVar:

ClinVar aggregate classification (germline): Uncertain significance. Review status: criteria provided, multiple submitters, no conflicts (2 of 4 stars). 2 submissions from 2 submitters: Uncertain significance (2). Last evaluated 2025-08-31.

Conditions:
Inborn genetic diseases. Identifiers: MedGen C0950123, MeSH D030342.

gnomAD v4.1: 16 of 1,613,478 alleles (0.00099%); highest among the groups gnomAD compares: East Asian, 0.0067%; no homozygotes.

Submissions (2):

Ambry Genetics
Classification: Uncertain significance for Inborn genetic diseases. Last evaluated: 2025-08-31. Review status: criteria provided, single submitter. Criteria: Ambry Variant Classification Scheme 2023. Collection method: clinical testing. Allele origin: germline.

Labcorp Genetics (formerly Invitae), Labcorp
Classification: Uncertain significance. Last evaluated: 2025-06-03. Review status: criteria provided, single submitter. Criteria: Invitae Variant Classification Sherloc (09022015). Collection method: clinical testing. Allele origin: germline.
Comment: This sequence change replaces glycine, which is neutral and non-polar, with serine, which is neutral and polar, at codon 4305 of the HSPG2 protein (p.Gly4305Ser). This variant is present in population databases (no rsID available, gnomAD 0.01%). This variant has not been reported in the literature in individuals affected with HSPG2-related conditions. An algorithm developed to predict the effect of missense changes on protein structure and function (PolyPhen-2) suggests that this variant is likely to be disruptive. In summary, the available evidence is currently insufficient to determine the role of this variant in disease. Therefore, it has been classified as a Variant of Uncertain Significance.

NM_005529.7(HSPG2):c.12913G>A (p.Gly4305Ser)

Genes: HSPG2 (heparan sulfate proteoglycan 2; minus strand), LDLRAD2 (low density lipoprotein receptor class A domain containing 2; plus strand). Cytogenetic location: 1p36.12.
Variant type: single nucleotide variant.
Coding change: c.12913G>A on transcript NM_005529.7 (MANE Select); coding-DNA position 12913, G replaced by A.
Protein change: p.Gly4305Ser; replaces glycine 4305 with serine.
Molecular consequence: missense variant. On other transcripts: 3 prime UTR variant (1).
Genome position (GRCh38, 1-based): chr1:21,823,706, C>T on the plus strand (G>A on the coding strand, the complement: HSPG2 is on the minus strand). VCF-style: chr1-21823706-C-T. GRCh37 (hg19) VCF-style: chr1-22150199-C-T.
Other names: c.12916G>A, p.Gly4306Ser (NM_001291860.2); c.*1491C>T (NM_001013693.3); short protein forms G4306S, G4305S.
Identifiers: ClinVar variation 4272703 (VCV004272703.2).
Genomic context (GRCh38, chr1:21,823,706, plus strand): 5'-CCACGTTGGGACCTGGGGACCGGCCGCTGACCAGCTCCTCACCGTCGACTTGGATGGAAC[C>T]TCTGCGGCCCTCCCTGCAGTGGAACTGGGTCAGGCCCCTTTCCACAAACTTCCTGGTCCT-3'
Protein context (NP_005520.4, residues 4295-4315): RVTALREGRR[Gly4305Ser]SIQVDGEELV